The following is an entry in ClinVar:

NM_004523.4(KIF11):c.1300A>G (p.Asn434Asp)

Gene: KIF11 (kinesin family member 11; plus strand). Cytogenetic location: 10q23.33.
Variant type: single nucleotide variant.
Coding change: c.1300A>G on transcript NM_004523.4 (MANE Select); coding-DNA position 1300, A replaced by G.
Protein change: p.Asn434Asp; replaces asparagine 434 with aspartic acid.
Molecular consequence: missense variant.
Genome position (GRCh38, 1-based): chr10:92,628,890, A>G. VCF-style: chr10-92628890-A-G. GRCh37 (hg19) VCF-style: chr10-94388647-A-G.
Other names: short protein forms N434D.
Identifiers: ClinVar variation 1718754 (VCV001718754.5), dbSNP rs1844705513, ClinGen allele CA377591544.

ClinVar aggregate classification (germline): Uncertain significance (1 of 4 stars; one submission).

Submission:

Labcorp Genetics (formerly Invitae), Labcorp
Classification: Uncertain significance. Last evaluated: 2022-09-03. Review status: criteria provided, single submitter. Criteria: Invitae Variant Classification Sherloc (09022015). Collection method: clinical testing. Allele origin: germline.
Comment: In summary, the available evidence is currently insufficient to determine the role of this variant in disease. Therefore, it has been classified as a Variant of Uncertain Significance. Algorithms developed to predict the effect of missense changes on protein structure and function (SIFT, PolyPhen-2, Align-GVGD) all suggest that this variant is likely to be tolerated. This variant has not been reported in the literature in individuals affected with KIF11-related conditions. This variant is not present in population databases (gnomAD no frequency). This sequence change replaces asparagine, which is neutral and polar, with aspartic acid, which is acidic and polar, at codon 434 of the KIF11 protein (p.Asn434Asp).